The following is an entry in ClinVar:

ClinVar aggregate classification (germline): Pathogenic (1 of 4 stars; one submission).

Conditions:
Capillary malformation-arteriovenous malformation syndrome. Also called: Capillary malformation-arteriovenous malformation. Identifiers: Orphanet 137667, MedGen C1842180, MONDO:0012016.

Submission:

Labcorp Genetics (formerly Invitae), Labcorp
Classification: Pathogenic for Capillary malformation-arteriovenous malformation syndrome. Last evaluated: 2021-09-22. Review status: criteria provided, single submitter. Criteria: Invitae Variant Classification Sherloc (09022015). Collection method: clinical testing. Allele origin: germline.
Comment: This variant is not present in population databases (ExAC no frequency). This variant has not been reported in the literature in individuals affected with RASA1-related conditions. For these reasons, this variant has been classified as Pathogenic. This sequence change creates a premature translational stop signal (p.Leu797*) in the RASA1 gene. It is expected to result in an absent or disrupted protein product. Loss-of-function variants in RASA1 are known to be pathogenic (PMID: 24038909).

Literature cited by the submitters: PubMed 24038909.

NM_002890.3(RASA1):c.2390del (p.Thr796_Leu797insTer)

Genes: CCNH (cyclin H; minus strand), RASA1 (RAS p21 protein activator 1; plus strand). Cytogenetic location: 5q14.3.
Variant type: Deletion.
Coding change: c.2390del on transcript NM_002890.3 (MANE Select); coding-DNA position 2390, one base deleted (T; older notation c.2390delT).
Protein change: p.Thr796_Leu797insTer.
Molecular consequence: nonsense. On other transcripts: intron variant (1).
Genome position (GRCh38, 1-based): chr5:87,378,441, T deleted; the last of 2 consecutive T bases (chr5:87,378,440-87,378,441); deleting either gives the same sequence. VCF-style (leftmost placement, unchanged base first): chr5-87378439-CT-C. GRCh37 (hg19) VCF-style: chr5-86674256-CT-C.
Other names: c.1859del, p.Thr619_Leu620insTer (NM_022650.3); c.933+16604del (NM_001364075.2).
Identifiers: ClinVar variation 1374513 (VCV001374513.8), dbSNP rs2112495582, ClinGen allele CA2573139974.
Genomic context (GRCh38, chr5:87,378,439, plus strand): 5'-TGTAAATATTTGTGTAGATGAAGCCACTACCCTATTTCGAGCCACAACACTTGCAAGCAC[CT>C]TGATGGAGCAGTATATGAAAGCCACTGCTACACAGTTTGTTCATCATGCTTTGAAAGACT-3'